The following is an entry in ClinVar:

ClinVar aggregate classification (germline): Benign/Likely benign. Review status: criteria provided, multiple submitters, no conflicts (2 of 4 stars). 6 submissions from 6 submitters: Benign (1); Likely benign (4). 1 of the submissions does not count toward it. Last evaluated 2026-01-24.

Conditions:
Developmental and epileptic encephalopathy, 1 (DEE1). Also called: INFANTILE SPASM SYNDROME, X-LINKED 1; X-linked infantile spasms; West's syndrome; Tonic spasms with clustering, arrest of psychomotor development and hypsarrhythmia on EEG; X-Linked Infantile Spasm Syndrome; Epileptic encephalopathy, early infantile, 1. Identifiers: MedGen C3463992, MONDO:0010632, OMIM 308350. Disease mechanism: loss of function.
Autosomal dominant nonsyndromic hearing loss 65. Also called: Deafness, autosomal dominant 65; TBC1D24-Related Autosomal Dominant Nonsyndromic Hearing Loss (DFNA). Identifiers: Orphanet 90635, MedGen C3892048, MONDO:0014470, OMIM 616044.
TBC1D24-related disorder. Also called: TBC1D24-related disorders; TBC1D24-related condition. Identifiers: MedGen CN381194.
Inborn genetic diseases. Identifiers: MedGen C0950123, MeSH D030342.

Allele frequency attached by ClinVar (database versions not stated): ExAC below 0.00001; ESP Exome Variant Server 0.00008; gnomAD 0.00015 and 0.00018; TOPMed 0.00029.
gnomAD v4.1: 255 of 1,579,680 alleles (0.016%); highest among the groups gnomAD compares: Admixed American, 0.032%; no homozygotes.

Submissions (6):

Labcorp Genetics (formerly Invitae), Labcorp
Classification: Likely benign for Developmental and epileptic encephalopathy, 1; Autosomal dominant nonsyndromic hearing loss 65. Last evaluated: 2026-01-24. Review status: criteria provided, single submitter. Criteria: Invitae Variant Classification Sherloc (09022015). Collection method: clinical testing. Allele origin: germline.

CeGaT Center for Human Genetics Tuebingen
Classification: Likely benign. Last evaluated: 2022-11-01. Review status: criteria provided, single submitter. Criteria: CeGaT Center For Human Genetics Tuebingen Variant Classification Criteria Version 2. Collection method: clinical testing. Allele origin: germline. Affected: yes. Observed: 1 variant allele.
Comment: TBC1D24: BP4, BP7

Ambry Genetics
Classification: Likely benign for Inborn genetic diseases. Last evaluated: 2016-08-23. Review status: criteria provided, single submitter. Criteria: Ambry Variant Classification Scheme 2023. Collection method: clinical testing. Allele origin: germline.

Laboratory for Molecular Medicine, Mass General Brigham Personalized Medicine
Classification: Likely benign. Last evaluated: 2014-11-24. Review status: criteria provided, single submitter. Criteria: LMM Criteria. Collection method: clinical testing. Allele origin: germline. Observed: 1 variant allele.
Comment: Gly501Gly in exon 7 of TBC1D24: This variant is not expected to have clinical si gnificance because it does not alter an amino acid residue and is not located wi thin the splice consensus sequence. It has been identified in 1/3962 African Ame rican chromosomes from a broad population by the NHLBI Exome Sequencing Project.

GeneDx
Classification: Benign. Last evaluated: 2014-04-25. Review status: criteria provided, single submitter. Criteria: GeneDx Variant Classification (06012015). Collection method: clinical testing. Allele origin: germline. Affected: yes.
Comment: This variant is considered likely benign or benign based on one or more of the following criteria: it is a conservative change, it occurs at a poorly conserved position in the protein, it is predicted to be benign by multiple in silico algorithms, and/or has population frequency not consistent with disease.

PreventionGenetics, part of Exact Sciences
Classification: Likely benign for TBC1D24-related condition. Last evaluated: 2019-10-28. Review status: no assertion criteria provided. Collection method: clinical testing. Allele origin: germline. Not counted in ClinVar's aggregate classification.
Comment: This variant is classified as likely benign based on ACMG/AMP sequence variant interpretation guidelines (Richards et al. 2015 PMID: 25741868, with internal and published modifications).

NM_001199107.2(TBC1D24):c.1503G>A (p.Gly501=)

Gene: TBC1D24 (TBC1 domain family member 24; plus strand). Cytogenetic location: 16p13.3.
Variant type: single nucleotide variant.
Coding change: c.1503G>A on transcript NM_001199107.2 (MANE Select); coding-DNA position 1503, G replaced by A.
Protein change: p.Gly501=; no amino-acid change (glycine 501 retained).
Molecular consequence: synonymous variant.
Genome position (GRCh38, 1-based): chr16:2,500,468, G>A. VCF-style: chr16-2500468-G-A. GRCh37 (hg19) VCF-style: chr16-2550469-G-A.
Other names: p.G495G:GGG>GGA; p.Gly501Gly; c.1485G>A, p.Gly495= (NM_020705.3).
Identifiers: ClinVar variation 207491 (VCV000207491.48), dbSNP rs368735897, ClinGen allele CA319005.